The following is an entry in ClinVar:

NM_002693.3(POLG):c.2215_2216insG (p.Tyr739Ter)

Gene: POLG (DNA polymerase gamma, catalytic subunit; minus strand). Cytogenetic location: 15q26.1.
Variant type: Insertion.
Coding change: c.2215_2216insG on transcript NM_002693.3 (MANE Select); coding-DNA positions 2215 to 2216, G inserted.
Protein change: p.Tyr739Ter; replaces tyrosine 739 with a stop codon.
Molecular consequence: nonsense.
Genome position: GRCh38 VCF-style: chr15-89323453-T-TC. GRCh37 (hg19) VCF-style: chr15-89866684-T-TC.
Other names: c.2215_2216insG, p.Tyr739Ter (NM_001126131.2); short protein forms Y739*.
Identifiers: ClinVar variation 2684308 (VCV002684308.1), dbSNP rs2509230100, ClinGen allele CA2697549346.
Genomic context (GRCh38, chr15:89,323,453, plus strand): 5'-CCAGGACACACCTTGTGAGGCAGCTTGAAAAACCAGCAGCCAGGGATGTCCACGTCGTTG[T>TC]AAGGTCCATTGCCATGGTGATAGCTGGGCTGGGTGTCCTTGGGGCCACCACGGGCAGTCT-3'

ClinVar aggregate classification (germline): Likely pathogenic (1 of 4 stars; one submission).

Submission:

Athena Diagnostics
Classification: Likely pathogenic. Last evaluated: 2023-06-12. Review status: criteria provided, single submitter. Criteria: Athena Diagnostics Criteria. Collection method: clinical testing. Allele origin: unknown.
Comment: This variant is expected to result in the loss of a functional protein. This variant has not been reported in large, multi-ethnic general populations.